The following is an entry in ClinVar:

NM_000051.4(ATM):c.5869T>C (p.Tyr1957His)

Genes: ATM (ATM serine/threonine kinase; plus strand), C11orf65 (chromosome 11 open reading frame 65; minus strand). Cytogenetic location: 11q22.3.
Variant type: single nucleotide variant.
Coding change: c.5869T>C on transcript NM_000051.4 (MANE Select); coding-DNA position 5869, T replaced by C.
Protein change: p.Tyr1957His; replaces tyrosine 1957 with histidine.
Molecular consequence: missense variant. On other transcripts: intron variant (2).
Genome position (GRCh38, 1-based): chr11:108,310,266, T>C. VCF-style: chr11-108310266-T-C. GRCh37 (hg19) VCF-style: chr11-108180993-T-C.
Other names: c.5869T>C, p.Tyr1957His (NM_001351834.2); c.641-1195A>G (NM_001330368.2); c.*39-1195A>G (NM_001351110.2); short protein forms Y1957H.
Identifiers: ClinVar variation 4747235 (VCV004747235.1).

ClinVar aggregate classification (germline): Uncertain significance (1 of 4 stars; one submission).

Conditions:
Ataxia-telangiectasia syndrome (AT). Also called: Ataxia-telangiectasia, complementation group D; AT, COMPLEMENTATION GROUP C; ATAXIA-TELANGIECTASIA, COMPLEMENTATION GROUP A; ATAXIA-TELANGIECTASIA, FRESNO VARIANT; Ataxia-telangiectasia; Ataxia-telangiectasia, complementation group E. Identifiers: Orphanet 100, MedGen C0004135, MONDO:0008840, OMIM 208900.

Submission:

Labcorp Genetics (formerly Invitae), Labcorp
Classification: Uncertain significance for Ataxia-telangiectasia syndrome. Last evaluated: 2025-10-06. Review status: criteria provided, single submitter. Criteria: Invitae Variant Classification Sherloc (09022015). Collection method: clinical testing. Allele origin: germline.
Comment: This sequence change replaces tyrosine, which is neutral and polar, with histidine, which is basic and polar, at codon 1957 of the ATM protein (p.Tyr1957His). This variant is not present in population databases (gnomAD no frequency). This variant has not been reported in the literature in individuals affected with ATM-related conditions. Invitae Evidence Modeling of protein sequence and biophysical properties (such as structural, functional, and spatial information, amino acid conservation, physicochemical variation, residue mobility, and thermodynamic stability) has been performed for this missense variant. However, the output from this modeling did not meet the statistical confidence thresholds required to predict the impact of this variant on ATM protein function. In summary, the available evidence is currently insufficient to determine the role of this variant in disease. Therefore, it has been classified as a Variant of Uncertain Significance.